The following is an entry in ClinVar:

NM_001122769.3(LCA5):c.46del (p.Ala16fs)

Gene: LCA5 (lebercilin LCA5; minus strand). Cytogenetic location: 6q14.1.
Variant type: Deletion.
Coding change: c.46del on transcript NM_001122769.3 (MANE Select); coding-DNA position 46, one base deleted (G; older notation c.46delG).
Protein change: p.Ala16fs; shifts the reading frame from alanine 16.
Molecular consequence: frameshift variant.
Genome position (GRCh38, 1-based): chr6:79,518,849, C deleted on the plus strand (G on the coding strand, the reverse complement: LCA5 is on the minus strand); the first of 2 consecutive C bases (chr6:79,518,849-79,518,850); deleting either gives the same sequence. VCF-style (leftmost placement, unchanged base first): chr6-79518848-GC-G. GRCh37 (hg19) VCF-style: chr6-80228565-GC-G.
Other names: c.46del, p.Ala16fs (NM_181714.4); short protein forms A16fs.
Identifiers: ClinVar variation 2851348 (VCV002851348.3), dbSNP rs2533451734, ClinGen allele CA2679483639.
Genomic context (GRCh38, chr6:79,518,848, plus strand): 5'-GATCGGCCAGAAGACTGTGGCGTTTCAAAATCAGATAAGTAAGAATAATGGTGTTTGCCT[GC>G]CTTTCTTTCTTGATCAGTACCTGGACTTCCTGCTCTTTCCCCCATTGTTTTGAAAAATGG-3'

ClinVar aggregate classification (germline): Pathogenic (1 of 4 stars; one submission).

Submission:

Labcorp Genetics (formerly Invitae), Labcorp
Classification: Pathogenic. Last evaluated: 2023-04-01. Review status: criteria provided, single submitter. Criteria: Invitae Variant Classification Sherloc (09022015). Collection method: clinical testing. Allele origin: germline.
Comment: This variant has not been reported in the literature in individuals affected with LCA5-related conditions. This sequence change creates a premature translational stop signal (p.Ala16Glnfs*95) in the LCA5 gene. It is expected to result in an absent or disrupted protein product. Loss-of-function variants in LCA5 are known to be pathogenic (PMID: 17546029, 23946133). This variant is not present in population databases (gnomAD no frequency). For these reasons, this variant has been classified as Pathogenic.

Literature cited by the submitters: PubMed 17546029; PubMed 23946133.